The following is an entry in ClinVar:

NM_000466.3(PEX1):c.3281A>G (p.Asp1094Gly)

Genes: GATAD1 (GATA zinc finger domain containing 1; plus strand), PEX1 (peroxisomal biogenesis factor 1; minus strand). Cytogenetic location: 7q21.2.
Variant type: single nucleotide variant.
Coding change: c.3281A>G on transcript NM_000466.3 (MANE Select); coding-DNA position 3281, A replaced by G.
Protein change: p.Asp1094Gly; replaces aspartic acid 1094 with glycine.
Molecular consequence: missense variant.
Genome position (GRCh38, 1-based): chr7:92,491,429, T>C on the plus strand (A>G on the coding strand, the complement: PEX1 is on the minus strand). VCF-style: chr7-92491429-T-C. GRCh37 (hg19) VCF-style: chr7-92120743-T-C.
Other names: c.3110A>G, p.Asp1037Gly (NM_001282677.2); c.2657A>G, p.Asp886Gly (NM_001282678.2); short protein forms D1094G, D1037G, D886G.
Identifiers: ClinVar variation 909412 (VCV000909412.15), dbSNP rs539784253, ClinGen allele CA4340858.

ClinVar aggregate classification (germline): Uncertain significance. Review status: criteria provided, multiple submitters, no conflicts (2 of 4 stars). 6 submissions from 6 submitters: Uncertain significance (5). 1 of the submissions does not count toward it. Last evaluated 2026-09-21.

Conditions:
Zellweger spectrum disorders (ZS). Also called: Zellweger Spectrum Disorder; Zellweger Spectrum; Zellweger syndrome; Zellweger Spectrum Disorder (ZSD). Identifiers: Orphanet 912, MedGen C0043459, MONDO:0019609.
Peroxisome biogenesis disorder 1A (Zellweger) (PBD1A). Also called: Zellweger leukodystrophy; Peroxisome biogenesis disorder 1a. Identifiers: MedGen C4721541, MONDO:0008953, OMIM 214100.
PEX1-related disorder. Also called: PEX1-related condition.
Inborn genetic diseases. Identifiers: MedGen C0950123, MeSH D030342.

Allele frequency attached by ClinVar (database versions not stated): gnomAD exomes 0.00001 and 0.00004; ExAC 0.00004; gnomAD 0.00017 and 0.00018; TOPMed 0.00018; 1000 Genomes Project 0.00020; 1000 Genomes Project 30x 0.00031.
gnomAD v4.1: 44 of 1,613,946 alleles (0.0027%); highest among the groups gnomAD compares: African/African-American, 0.051%; no homozygotes.

Submissions (6):

PreventionGenetics, part of Exact Sciences
Classification: Uncertain significance for PEX1-related condition. Last evaluated: 2026-09-21. Review status: criteria provided, single submitter. Criteria: ACMG Guidelines, 2015. Collection method: clinical testing. Allele origin: germline.
Comment: The PEX1 c.3281A>G variant is predicted to result in the amino acid substitution p.Asp1094Gly. To our knowledge, this variant has not been reported in the literature. This variant is reported in 0.048% of alleles in individuals of African descent in gnomAD. At this time, the clinical significance of this variant is uncertain due to the absence of conclusive functional and genetic evidence.

Labcorp Genetics (formerly Invitae), Labcorp
Classification: Uncertain significance for Zellweger spectrum disorders. Last evaluated: 2025-07-31. Review status: criteria provided, single submitter. Criteria: Invitae Variant Classification Sherloc (09022015). Collection method: clinical testing. Allele origin: germline.
Comment: This sequence change replaces aspartic acid, which is acidic and polar, with glycine, which is neutral and non-polar, at codon 1094 of the PEX1 protein (p.Asp1094Gly). This variant is present in population databases (rs539784253, gnomAD 0.04%). This variant has not been reported in the literature in individuals affected with PEX1-related conditions. ClinVar contains an entry for this variant (Variation ID: 909412). Invitae Evidence Modeling of protein sequence and biophysical properties (such as structural, functional, and spatial information, amino acid conservation, physicochemical variation, residue mobility, and thermodynamic stability) indicates that this missense variant is expected to disrupt PEX1 protein function with a positive predictive value of 95%. In summary, the available evidence is currently insufficient to determine the role of this variant in disease. Therefore, it has been classified as a Variant of Uncertain Significance.

Ambry Genetics
Classification: Uncertain significance for Inborn genetic diseases. Last evaluated: 2024-10-25. Review status: criteria provided, single submitter. Criteria: Ambry Variant Classification Scheme 2023. Collection method: clinical testing. Allele origin: germline.

Blueprint Genetics
Classification: Uncertain significance. Last evaluated: 2024-02-02. Review status: criteria provided, single submitter. Criteria: ACMG Guidelines, 2015. Collection method: clinical testing. Allele origin: germline.

Illumina Laboratory Services, Illumina
Classification: Uncertain significance for Peroxisome biogenesis disorder 1A (Zellweger). Last evaluated: 2018-01-12. Review status: criteria provided, single submitter. Criteria: ICSL Variant Classification Criteria 13 December 2019. Collection method: clinical testing. Allele origin: germline.

Natera, Inc.
Classification: Uncertain significance for Zellweger syndrome. Last evaluated: 2018-06-11. Review status: no assertion criteria provided. Collection method: clinical testing. Allele origin: germline. Not counted in ClinVar's aggregate classification.